The following is an entry in ClinVar:

ClinVar aggregate classification (germline): Pathogenic (1 of 4 stars; one submission).

Conditions:
Primary ciliary dyskinesia. Also called: Ciliary dyskinesia. Identifiers: Orphanet 244, MedGen C0008780, MONDO:0016575, HP:0012265.

Submission:

Labcorp Genetics (formerly Invitae), Labcorp
Classification: Pathogenic for Primary ciliary dyskinesia. Last evaluated: 2023-03-14. Review status: criteria provided, single submitter. Criteria: Invitae Variant Classification Sherloc (09022015). Collection method: clinical testing. Allele origin: germline.
Comment: This variant, c.12778_12780del, results in the deletion of 1 amino acid(s) of the DNAH5 protein (p.Asp4260del), but otherwise preserves the integrity of the reading frame. This variant is not present in population databases (gnomAD no frequency). This variant has been observed in individual(s) with clinical features of DNAH5-related conditions (PMID: 31638833). This variant disrupts a region of the DNAH5 protein in which other variant(s) (p.Asp4260Val) have been determined to be pathogenic (Invitae). This suggests that this is a clinically significant region of the protein, and that variants that disrupt it are likely to be disease-causing. For these reasons, this variant has been classified as Pathogenic.

Literature cited by the submitters: PubMed 31638833.

NM_001369.3(DNAH5):c.12778_12780del (p.Asp4260del)

Gene: DNAH5 (dynein axonemal heavy chain 5; minus strand). Cytogenetic location: 5p15.2.
Variant type: Deletion.
Coding change: c.12778_12780del on transcript NM_001369.3 (MANE Select); coding-DNA positions 12778 to 12780, 3 bases deleted (GAT; older notation c.12778_12780delGAT).
Protein change: p.Asp4260del; deletes aspartic acid 4260.
Molecular consequence: inframe deletion.
Genome position (GRCh38, 1-based): chr5:13,716,616-13,716,618, ATC deleted on the plus strand (GAT on the coding strand, the reverse complement: DNAH5 is on the minus strand); deleting any 3 consecutive bases within chr5:13,716,616-13,716,620 gives the same sequence; the c. name uses the placement nearest the transcript's 3' end. VCF-style (leftmost placement, unchanged base first): chr5-13716615-TATC-T. GRCh37 (hg19) VCF-style: chr5-13716724-TATC-T.
Other names: short protein forms D4260del.
Identifiers: ClinVar variation 2971454 (VCV002971454.3), dbSNP rs2546509113, ClinGen allele CA2673267005.